The following is an entry in ClinVar:

NM_002485.5(NBN):c.1520A>C (p.His507Pro)

Gene: NBN (nibrin; minus strand). Cytogenetic location: 8q21.3.
Variant type: single nucleotide variant.
Coding change: c.1520A>C on transcript NM_002485.5 (MANE Select); coding-DNA position 1520, A replaced by C.
Protein change: p.His507Pro; replaces histidine 507 with proline.
Molecular consequence: missense variant.
Genome position (GRCh38, 1-based): chr8:89,953,569, T>G on the plus strand (A>C on the coding strand, the complement: NBN is on the minus strand). VCF-style: chr8-89953569-T-G. GRCh37 (hg19) VCF-style: chr8-90965797-T-G.
Other names: c.1274A>C, p.His425Pro (NM_001024688.3); short protein forms H425P, H507P.
Identifiers: ClinVar variation 948266 (VCV000948266.8), dbSNP rs587782520, ClinGen allele CA371655680.

ClinVar aggregate classification (germline): Uncertain significance. Review status: criteria provided, multiple submitters, no conflicts (2 of 4 stars). 2 submissions from 2 submitters: Uncertain significance (2). Last evaluated 2026-07-06.

Conditions:
Microcephaly, normal intelligence and immunodeficiency (NBS). Also called: IMMUNODEFICIENCY, MICROCEPHALY, AND CHROMOSOMAL INSTABILITY; SEEMANOVA SYNDROME II; Nijmegen breakage syndrome; Microcephaly with normal intelligence immunodeficiency and lymphoreticular malignancies; Nonsyndromal microcephaly autosomal recessive with normal intelligence; Seemanova syndrome 2. Identifiers: Orphanet 647, MedGen C0398791, MONDO:0009623, OMIM 251260.
Hereditary cancer-predisposing syndrome. Also called: Neoplastic Syndromes, Hereditary; Hereditary Cancer Syndrome; Tumor predisposition; Hereditary neoplastic syndrome. Identifiers: Orphanet 140162, MedGen C0027672, MeSH D009386, MONDO:0015356.

Submissions (2):

Ambry Genetics
Classification: Uncertain significance for Hereditary cancer-predisposing syndrome. Last evaluated: 2026-07-06. Review status: criteria provided, single submitter. Criteria: Ambry Variant Classification Scheme 2023. Collection method: clinical testing. Allele origin: germline.
Comment: The p.H507P variant (also known as c.1520A>C), located in coding exon 11 of the NBN gene, results from an A to C substitution at nucleotide position 1520. The histidine at codon 507 is replaced by proline, an amino acid with similar properties. This amino acid position is conserved. In addition, this alteration is predicted to be tolerated by in silico analysis. Based on the available evidence, the clinical significance of this variant remains unclear.

Labcorp Genetics (formerly Invitae), Labcorp
Classification: Uncertain significance for Microcephaly, normal intelligence and immunodeficiency. Last evaluated: 2022-03-07. Review status: criteria provided, single submitter. Criteria: Invitae Variant Classification Sherloc (09022015). Collection method: clinical testing. Allele origin: germline.
Comment: This sequence change replaces histidine, which is basic and polar, with proline, which is neutral and non-polar, at codon 507 of the NBN protein (p.His507Pro). This variant is not present in population databases (gnomAD no frequency). This variant has not been reported in the literature in individuals affected with NBN-related conditions. ClinVar contains an entry for this variant (Variation ID: 948266). Algorithms developed to predict the effect of missense changes on protein structure and function output the following: SIFT: "Tolerated"; PolyPhen-2: "Benign"; Align-GVGD: "Class C0". The proline amino acid residue is found in multiple mammalian species, which suggests that this missense change does not adversely affect protein function. In summary, the available evidence is currently insufficient to determine the role of this variant in disease. Therefore, it has been classified as a Variant of Uncertain Significance.